The following is an entry in ClinVar:

NM_000484.4(APP):c.*914G>A

Gene: APP (amyloid beta precursor protein; minus strand). Cytogenetic location: 21q21.3.
Variant type: single nucleotide variant.
Coding change: c.*914G>A on transcript NM_000484.4 (MANE Select); 914 bases downstream of the stop codon, G replaced by A.
Molecular consequence: 3 prime UTR variant.
Genome position (GRCh38, 1-based): chr21:25,880,756, C>T on the plus strand (G>A on the coding strand, the complement: APP is on the minus strand). VCF-style: chr21-25880756-C-T. GRCh37 (hg19) VCF-style: chr21-27253067-C-T.
Other names: c.*914G>A (NM_001136129.3, NM_001136130.3, NM_001136131.3 and 7 more transcripts).
Identifiers: ClinVar variation 339621 (VCV000339621.5), dbSNP rs736479, ClinGen allele CA10644502.

ClinVar aggregate classification (germline): Benign (1 of 4 stars; one submission).

Conditions:
Alzheimer disease. Also called: Presenile and senile dementia; Alzheimer's disease. Identifiers: Orphanet 1020, MedGen C0002395, MeSH D000544, MONDO:0004975, HP:0002511.

Allele frequency attached by ClinVar (database versions not stated): gnomAD 0.00338 and 0.00343; 1000 Genomes Project 30x 0.00531; 1000 Genomes Project 0.00539; TOPMed 0.00639.

Submission:

Illumina Laboratory Services, Illumina
Classification: Benign for Alzheimer disease type 1. Last evaluated: 2018-01-12. Review status: criteria provided, single submitter. Criteria: ICSL Variant Classification Criteria 13 December 2019. Collection method: clinical testing. Allele origin: germline.
Comment: This variant was observed in the ICSL laboratory as part of a predisposition screen in an ostensibly healthy population. It had not been previously curated by ICSL or reported in the Human Gene Mutation Database (HGMD: prior to June 1st, 2018), and was therefore a candidate for classification through an automated scoring system. Utilizing variant allele frequency, disease prevalence and penetrance estimates, and inheritance mode, an automated score was calculated to assess if this variant is too frequent to cause the disease. Based on the score and internal cut-off values, a variant classified as benign is not then subjected to further curation. The score for this variant resulted in a classification of benign for this disease.